The following is an entry in ClinVar:

NM_001163809.2(WDR81):c.1820A>G (p.Lys607Arg)

Gene: WDR81 (WD repeat domain 81; plus strand). Cytogenetic location: 17p13.3.
Variant type: single nucleotide variant.
Coding change: c.1820A>G on transcript NM_001163809.2 (MANE Select); coding-DNA position 1820, A replaced by G.
Protein change: p.Lys607Arg; replaces lysine 607 with arginine.
Molecular consequence: missense variant. On other transcripts: intron variant (3).
Genome position (GRCh38, 1-based): chr17:1,726,779, A>G. VCF-style: chr17-1726779-A-G. GRCh37 (hg19) VCF-style: chr17-1630073-A-G.
Other names: c.-123-1211A>G (NM_152348.4); c.59-3601A>G (NM_001163673.2); c.-15+1993A>G (NM_001163811.2); short protein forms K607R.
Identifiers: ClinVar variation 2227939 (VCV002227939.2), dbSNP rs554835801, ClinGen allele CA286869489.
Genomic context (GRCh38, chr17:1,726,779, plus strand): 5'-CACACCCCCAGCGCCTGGCTGGGGCTCCTGCCCTTGCCCCCGAGCCTCCCCTCATCCCCA[A>G]GCTGTTGGTCCAGACCATCCAGGAGACCACAGGCCGGGAGGACTTCACGGAAAACCCGGG-3'
Protein context (NP_001157281.1, residues 597-617): ALAPEPPLIP[Lys607Arg]LLVQTIQETT

ClinVar aggregate classification (germline): Uncertain significance (1 of 4 stars; one submission).

Conditions:
Inborn genetic diseases. Identifiers: MedGen C0950123, MeSH D030342.

gnomAD v4.1: 18 of 1,548,444 alleles (0.0012%); highest among the groups gnomAD compares: Non-Finnish European, 0.0014%; no homozygotes.

Submission:

Ambry Genetics
Classification: Uncertain significance for Inborn genetic diseases. Last evaluated: 2020-11-12. Review status: criteria provided, single submitter. Criteria: Ambry Variant Classification Scheme 2023. Collection method: clinical testing. Allele origin: germline.
Comment: The c.1820A>G (p.K607R) alteration is located in exon 1 (coding exon 1) of the WDR81 gene. This alteration results from a A to G substitution at nucleotide position 1820, causing the lysine (K) at amino acid position 607 to be replaced by an arginine (R). Based on data from the Genome Aggregation Database (gnomAD), the WDR81 c.1820A>G alteration was not observed, with coverage at this position. This amino acid position is not well conserved in available vertebrate species. The p.K607R alteration is predicted to be tolerated by in silico analysis. Based on insufficient or conflicting evidence, the clinical significance of this alteration remains unclear.